The following is an entry in ClinVar:

NM_206933.4(USH2A):c.11684G>A (p.Gly3895Glu)

Gene: USH2A (usherin; minus strand). Cytogenetic location: 1q41.
Variant type: single nucleotide variant.
Coding change: c.11684G>A on transcript NM_206933.4 (MANE Select); coding-DNA position 11684, G replaced by A.
Protein change: p.Gly3895Glu; replaces glycine 3895 with glutamic acid.
Molecular consequence: missense variant.
Genome position (GRCh38, 1-based): chr1:215,741,402, C>T on the plus strand (G>A on the coding strand, the complement: USH2A is on the minus strand). VCF-style: chr1-215741402-C-T. GRCh37 (hg19) VCF-style: chr1-215914744-C-T.
Other names: short protein forms G3895E.
Identifiers: ClinVar variation 1297137 (VCV001297137.2), dbSNP rs1472714005, ClinGen allele CA344833308.
Genomic context (GRCh38, chr1:215,741,402, plus strand): 5'-ATAACTAAAAATAATAGTAACAGCCAATCTTACCTGTAAATAAAGTAGTTGATGATGATT[C>T]CATTTGGTTTTTCAGGTGGCATCCACTTAATCTCTATGCAAGCTGACCCCAGTGCCTTAA-3'
Protein context (NP_996816.3, residues 3885-3905): IKWMPPEKPN[Gly3895Glu]IIINYFIYRR

ClinVar aggregate classification (germline): Likely pathogenic (1 of 4 stars; one submission).

Conditions:
Retinitis pigmentosa (RP). Identifiers: Orphanet 791, MedGen C0035334, MeSH D012174, MONDO:0019200, OMIM 268000. Inheritance: Autosomal dominant, autosomal recessive and X linked inheritance.

Allele frequency attached by ClinVar (database versions not stated): gnomAD exomes below 0.00001.
gnomAD v4.1: 6 of 1,613,734 alleles (0.00037%); highest among the groups gnomAD compares: Non-Finnish European, 0.00051%; no homozygotes.

Submission:

Broad Center for Mendelian Genomics, Broad Institute of MIT and Harvard
Classification: Likely pathogenic for Retinitis pigmentosa. Last evaluated: 2021-04-01. Review status: criteria provided, single submitter. Criteria: ACMG Guidelines, 2015. Collection method: curation. Allele origin: germline. Inheritance: Autosomal recessive inheritance. Affected: yes.
Comment: Through a review of available evidence we were able to apply the following criteria: PM2, PP3, PM1, PM3. Based on this evidence we have classified this variant as Likely Pathogenic. If you have any questions about the classification please reach out to the Pierce Lab.

Literature cited by the submitters: PubMed 34906470; PubMed 17405132.